The following is an entry in ClinVar:

NM_004006.3(DMD):c.1082C>G (p.Thr361Arg)

Gene: DMD (dystrophin; minus strand). Cytogenetic location: Xp21.1.
Variant type: single nucleotide variant.
Coding change: c.1082C>G on transcript NM_004006.3 (MANE Select); coding-DNA position 1082, C replaced by G.
Protein change: p.Thr361Arg; replaces threonine 361 with arginine.
Molecular consequence: missense variant.
Genome position (GRCh38, 1-based): chrX:32,645,031, G>C on the plus strand (C>G on the coding strand, the complement: DMD is on the minus strand). VCF-style: chrX-32645031-G-C. GRCh37 (hg19) VCF-style: chrX-32663148-G-C.
Other names: c.1058C>G, p.Thr353Arg (NM_000109.4); c.1070C>G, p.Thr357Arg (NM_004009.3); c.713C>G, p.Thr238Arg (NM_004010.3); short protein forms T238R, T353R, T361R, T357R.
Identifiers: ClinVar variation 4750067 (VCV004750067.1).

ClinVar aggregate classification (germline): Uncertain significance (1 of 4 stars; one submission).

Conditions:
Duchenne muscular dystrophy (DMD). Also called: MUSCULAR DYSTROPHY, PSEUDOHYPERTROPHIC PROGRESSIVE, DUCHENNE TYPE; Duchenne Muscular Dystrophy (DMD). Identifiers: Orphanet 98896, MedGen C0013264, MONDO:0010679, OMIM 310200.

Submission:

Labcorp Genetics (formerly Invitae), Labcorp
Classification: Uncertain significance for Duchenne muscular dystrophy. Last evaluated: 2025-03-26. Review status: criteria provided, single submitter. Criteria: Invitae Variant Classification Sherloc (09022015). Collection method: clinical testing. Allele origin: germline.
Comment: This sequence change replaces threonine, which is neutral and polar, with arginine, which is basic and polar, at codon 361 of the DMD protein (p.Thr361Arg). This variant is not present in population databases (gnomAD no frequency). This missense change has been observed in individual(s) with dilated cardiomyopathy (internal data). Invitae Evidence Modeling of protein sequence and biophysical properties (such as structural, functional, and spatial information, amino acid conservation, physicochemical variation, residue mobility, and thermodynamic stability) indicates that this missense variant is not expected to disrupt DMD protein function with a negative predictive value of 95%. In summary, the available evidence is currently insufficient to determine the role of this variant in disease. Therefore, it has been classified as a Variant of Uncertain Significance.